The following is an entry in ClinVar:

ClinVar aggregate classification (germline): Likely pathogenic (1 of 4 stars; one submission).

Submission:

GeneDx
Classification: Likely pathogenic. Last evaluated: 2013-06-23. Review status: criteria provided, single submitter. Criteria: GeneDx Variant Classification (06012015). Collection method: clinical testing. Allele origin: germline. Affected: yes.
Comment: p.Cys1159Ser (TGT>AGT): c.3475 T>A in exon 29 of the FBN1 gene (NM_000138.4)The Cys1159Ser variant in the FBN1 gene has not been reported as a disease-causing mutation or as a benign polymorphism to our knowledge. Cys1159Ser results in a non-conservative amino acid substitution resulting in the removal of a Cysteine residue critical to disulfide bonding. This substitution occurs at a position that is highly conserved across species. Consequently, in silico analysis predicts Cys1159Ser is damaging to the protein structure/function. Mutations in nearby residues (Asp1155Asn, Asp1155Gly, Glu1158Gly, Cys1166Tyr) have been reported in association with Marfan syndrome, further supporting the functional importance of this region of the protein. Furthermore, the Cys1159Ser variant was not observed in approximately 6500 individuals of European and African American ancestry in the NHLBI Exome Sequencing Project, indicating it is not a common benign variant in these populations.In summary, Cys1159Ser is a good candidate for a disease-causing mutation.The variant is found in TAAD panel(s).

NM_000138.5(FBN1):c.3475T>A (p.Cys1159Ser)

Gene: FBN1 (fibrillin 1; minus strand). Cytogenetic location: 15q21.1.
Variant type: single nucleotide variant.
Coding change: c.3475T>A on transcript NM_000138.5 (MANE Select); coding-DNA position 3475, T replaced by A.
Protein change: p.Cys1159Ser; replaces cysteine 1159 with serine.
Molecular consequence: missense variant.
Genome position (GRCh38, 1-based): chr15:48,487,189, A>T on the plus strand (T>A on the coding strand, the complement: FBN1 is on the minus strand). VCF-style: chr15-48487189-A-T. GRCh37 (hg19) VCF-style: chr15-48779386-A-T.
Other names: p.C1159S:TGT>AGT; short protein forms C1159S.
Identifiers: ClinVar variation 200018 (VCV000200018.2), dbSNP rs794728205, ClinGen allele CA014185.